The following is an entry in ClinVar:

ClinVar aggregate classification (germline): Uncertain significance (1 of 4 stars; one submission).

Conditions:
Immunodeficiency 67. Also called: Immunodeficiency due to interleukin-1 receptor-associated kinase-4 deficiency. Identifiers: Orphanet 70592, MedGen C1843256, MONDO:0011888, OMIM 607676.

Allele frequency attached by ClinVar (database versions not stated): gnomAD exomes 0.00001.

Submission:

Labcorp Genetics (formerly Invitae), Labcorp
Classification: Uncertain significance for Immunodeficiency 67. Last evaluated: 2020-02-20. Review status: criteria provided, single submitter. Criteria: Invitae Variant Classification Sherloc (09022015). Collection method: clinical testing. Allele origin: germline.
Comment: This sequence change falls in intron 9 of the IRAK4 gene. It does not directly change the encoded amino acid sequence of the IRAK4 protein, but it affects a nucleotide within the consensus splice site of the intron. This variant is not present in population databases (ExAC no frequency). This variant has not been reported in the literature in individuals with IRAK4-related conditions. Nucleotide substitutions within the consensus splice site are a relatively common cause of aberrant splicing (PMID: 17576681, 9536098). Algorithms developed to predict the effect of sequence changes on RNA splicing suggest that this variant may disrupt the consensus splice site, but this prediction has not been confirmed by published transcriptional studies. In summary, the available evidence is currently insufficient to determine the role of this variant in disease. Therefore, it has been classified as a Variant of Uncertain Significance.

Literature cited by the submitters: PubMed 17576681; PubMed 9536098.

NM_016123.4(IRAK4):c.1125+5G>A

Gene: IRAK4 (interleukin 1 receptor associated kinase 4; plus strand). Cytogenetic location: 12q12.
Variant type: single nucleotide variant.
Coding change: c.1125+5G>A on transcript NM_016123.4 (MANE Select); 5 bases into the intron after coding-DNA position 1125, G replaced by A.
Molecular consequence: intron variant.
Genome position (GRCh38, 1-based): chr12:43,782,495, G>A. VCF-style: chr12-43782495-G-A. GRCh37 (hg19) VCF-style: chr12-44176298-G-A.
Other names: c.753+5G>A (NM_001351338.2, NM_001351341.2, NM_001351339.2 and 5 more transcripts); c.1125+5G>A (NM_001351345.2, NM_001114182.3); c.516+5G>A (NM_001351343.2, NM_001351344.2).
Identifiers: ClinVar variation 1057688 (VCV001057688.6), dbSNP rs1234743900, ClinGen allele CA604553673.
Genomic context (GRCh38, chr12:43,782,495, plus strand): 5'-CAGAAGCTTTGCGTGGAGAAATAACACCCAAATCTGATATTTACAGCTTTGGTGTGGTAA[G>A]TTCCGTATACATAATTATTAAAAATAATCATTCTGCTATAATTGTGAAAATGAAGAGAAT-3'